The following is an entry in ClinVar:

ClinVar aggregate classification (germline): Pathogenic/Likely pathogenic. Review status: criteria provided, multiple submitters, no conflicts (2 of 4 stars). 2 submissions from 2 submitters: Pathogenic (1); Likely pathogenic (1). Last evaluated 2024-08-12.

Conditions:
Hermansky-Pudlak syndrome (HPS). Also called: ALBINISM WITH HEMORRHAGIC DIATHESIS AND PIGMENTED RETICULOENDOTHELIAL CELLS. Identifiers: Orphanet 79430, MedGen C0079504, MONDO:0019312.

Allele frequency attached by ClinVar (database versions not stated): gnomAD exomes 0.00001; ExAC 0.00002.
gnomAD v4.1: 13 of 1,613,822 alleles (0.00081%); highest among the groups gnomAD compares: South Asian, 0.0099%; no homozygotes.

Submissions (2):

Natera, Inc.
Classification: Likely pathogenic for Hermansky-Pudlak syndrome. Last evaluated: 2024-08-12. Review status: criteria provided, single submitter. Criteria: Natera Variant Classification Schema (03/2026). Collection method: clinical testing. Allele origin: germline.
Comment: The c.733C>T variant in HPS3 is a nonsense variant predicted to introduce a stop codon at amino acid 245. This variant is expected to result in nonsense mediated decay, truncation, or a dysfunctional protein product. This variant is rare in the general population with a frequency below the threshold expected for the associated phenotype(s). Given the available evidence, this variant is classified as Likely Pathogenic.

Labcorp Genetics (formerly Invitae), Labcorp
Classification: Pathogenic. Last evaluated: 2023-09-25. Review status: criteria provided, single submitter. Criteria: Invitae Variant Classification Sherloc (09022015). Collection method: clinical testing. Allele origin: germline.
Comment: This sequence change creates a premature translational stop signal (p.Gln245*) in the HPS3 gene. It is expected to result in an absent or disrupted protein product. Loss-of-function variants in HPS3 are known to be pathogenic (PMID: 11590544). This variant is present in population databases (rs752034836, gnomAD 0.007%). For these reasons, this variant has been classified as Pathogenic. Algorithms developed to predict the effect of sequence changes on RNA splicing suggest that this variant may create or strengthen a splice site. ClinVar contains an entry for this variant (Variation ID: 2126251). This variant has not been reported in the literature in individuals affected with HPS3-related conditions.

Literature cited by the submitters: PubMed 11590544 (cited by Labcorp Genetics (formerly Invitae), Labcorp).

NM_032383.5(HPS3):c.733C>T (p.Gln245Ter)

Gene: HPS3 (HPS3 biogenesis of lysosomal organelles complex 2 subunit 1; plus strand). Cytogenetic location: 3q24.
Variant type: single nucleotide variant.
Coding change: c.733C>T on transcript NM_032383.5 (MANE Select); coding-DNA position 733, C replaced by T.
Protein change: p.Gln245Ter; replaces glutamine 245 with a stop codon.
Molecular consequence: nonsense.
Genome position (GRCh38, 1-based): chr3:149,141,037, C>T. VCF-style: chr3-149141037-C-T. GRCh37 (hg19) VCF-style: chr3-148858824-C-T.
Other names: c.733C>T (NM_032383.4); c.238C>T, p.Gln80Ter (NM_001308258.2); short protein forms Q80*, Q245*.
Identifiers: ClinVar variation 2126251 (VCV002126251.5), dbSNP rs752034836, ClinGen allele CA2659876.